The following is an entry in ClinVar:

ClinVar aggregate classification (germline): Uncertain significance (1 of 4 stars; one submission).

Conditions:
Developmental and epileptic encephalopathy 94 (DEE94). Also called: Epileptic encephalopathy, childhood-onset; CHD2-Related Neurodevelopmental Disorders. Identifiers: Orphanet 1942, Orphanet 2382, MedGen C3809278, MONDO:0014150, OMIM 615369.

Submission:

MVZ Medizinische Genetik Mainz
Classification: Uncertain significance for Developmental and epileptic encephalopathy 94. Last evaluated: 2022-11-21. Review status: criteria provided, single submitter. Criteria: UK Practice Guidelines For Variant Classification V4 01 2020. Collection method: clinical testing. Allele origin: germline. Inheritance: Autosomal dominant inheritance. Affected: yes. Observed: 1 variant allele.
Comment: ACMG Criteria: PM2_SUP, PP2, PP3 (ACMG Version 4)

NM_001271.4(CHD2):c.2596T>C (p.Ser866Pro)

Gene: CHD2 (chromodomain helicase DNA binding protein 2; plus strand). Cytogenetic location: 15q26.1.
Variant type: single nucleotide variant.
Coding change: c.2596T>C on transcript NM_001271.4 (MANE Select); coding-DNA position 2596, T replaced by C.
Protein change: p.Ser866Pro; replaces serine 866 with proline.
Molecular consequence: missense variant.
Genome position (GRCh38, 1-based): chr15:92,978,252, T>C. VCF-style: chr15-92978252-T-C. GRCh37 (hg19) VCF-style: chr15-93521482-T-C.
Other names: short protein forms S866P.
Identifiers: ClinVar variation 3236139 (VCV003236139.1), dbSNP rs2505543157, ClinGen allele CA393893687.